The following is an entry in ClinVar:

NM_030632.3(ASXL3):c.5590G>A (p.Gly1864Ser)

Gene: ASXL3 (ASXL transcriptional regulator 3; plus strand). Cytogenetic location: 18q12.1.
Variant type: single nucleotide variant.
Coding change: c.5590G>A on transcript NM_030632.3 (MANE Select); coding-DNA position 5590, G replaced by A.
Protein change: p.Gly1864Ser; replaces glycine 1864 with serine.
Molecular consequence: missense variant.
Genome position (GRCh38, 1-based): chr18:33,745,438, G>A. VCF-style: chr18-33745438-G-A. GRCh37 (hg19) VCF-style: chr18-31325402-G-A.
Other names: short protein forms G1864S.
Identifiers: ClinVar variation 2648661 (VCV002648661.24), dbSNP rs1319441601, ClinGen allele CA402194972.

ClinVar aggregate classification (germline): Likely benign (1 of 4 stars; one submission).

Allele frequency attached by ClinVar (database versions not stated): TOPMed 0.00001; gnomAD 0.00002; gnomAD exomes 0.00002.
gnomAD v4.1: 25 of 1,613,826 alleles (0.0015%); highest among the groups gnomAD compares: East Asian, 0.0022%; no homozygotes.

Submission:

CeGaT Center for Human Genetics Tuebingen
Classification: Likely benign. Last evaluated: 2023-07-01. Review status: criteria provided, single submitter. Criteria: CeGaT Center For Human Genetics Tuebingen Variant Classification Criteria Version 2. Collection method: clinical testing. Allele origin: germline. Affected: yes. Observed: 1 variant allele.
Comment: ASXL3: BP1, BP4